The following is an entry in ClinVar:

ClinVar aggregate classification (germline): Conflicting classifications of pathogenicity. Review status: criteria provided, conflicting classifications (1 of 4 stars). 6 submissions from 6 submitters: Likely pathogenic (1); Uncertain significance (4). 1 of the submissions does not count toward it. Last evaluated 2025-10-14.

Conditions:
Adult hypophosphatasia. Identifiers: Orphanet 247676, Orphanet 436, MedGen C0268413, MONDO:1010154, OMIM 146300, MONDO:0007798.
Childhood hypophosphatasia. Identifiers: Orphanet 247667, Orphanet 436, MedGen C0220743, MONDO:1010168, OMIM 241510, MONDO:0009428.
Infantile hypophosphatasia. Identifiers: Orphanet 247651, Orphanet 436, MedGen C0268412, MONDO:1010169, OMIM 241500, MONDO:0009427.
Hypophosphatasia. Also called: Phosphoethanol-aminuria. Identifiers: Orphanet 436, MedGen C0020630, MeSH D007014, MONDO:0018570.

Allele frequency attached by ClinVar (database versions not stated): gnomAD 0.00002; TOPMed 0.00002.
gnomAD v4.1: 43 of 1,613,890 alleles (0.0027%); highest among the groups gnomAD compares: African/African-American, 0.0093%; no homozygotes.

Submissions (6):

Labcorp Genetics (formerly Invitae), Labcorp
Classification: Likely pathogenic. Last evaluated: 2025-10-14. Review status: criteria provided, single submitter. Criteria: Invitae Variant Classification Sherloc (09022015). Collection method: clinical testing. Allele origin: germline.
Comment: This sequence change replaces proline, which is neutral and non-polar, with leucine, which is neutral and non-polar, at codon 261 of the ALPL protein (p.Pro261Leu). This variant is present in population databases (rs765149569, gnomAD 0.01%). This missense change has been observed in individual(s) with clinical features of hypophosphatasia (PMID: 39983296; internal). ClinVar contains an entry for this variant (Variation ID: 388169). Invitae Evidence Modeling of protein sequence and biophysical properties (such as structural, functional, and spatial information, amino acid conservation, physicochemical variation, residue mobility, and thermodynamic stability) indicates that this missense variant is expected to disrupt ALPL protein function with a positive predictive value of 95%. Experimental studies have shown that this missense change does not substantially affect ALPL function (PMID: 32160374). In summary, the currently available evidence indicates that the variant is pathogenic, but additional data are needed to prove that conclusively. Therefore, this variant has been classified as Likely Pathogenic.

Genomenon, Inc
Classification: Uncertain significance for Hypophosphatasia. Last evaluated: 2025-08-29. Review status: criteria provided, single submitter. Criteria: Genomenon Sequence Variant Interpretation Standards. Collection method: curation. Allele origin: germline. Affected: no.
Comment: ALPL c.782C>T is a missense variant that changes the amino acid at residue 261 from Proline to Leucine. This variant has not been reported in patients affected with hypophosphatasia in the published literature. Functional studies have been reported;however, the significance of the findings remain unclear (PMID:32160374). It is absent or not present at a significant frequency in gnomAD. In silico models agree that this variant is possibly or probably damaging. In conclusion, we classify ALPL p.Pro261Leu (c.782C>T) as a variant of unknown significance.

GeneDx
Classification: Uncertain significance. Last evaluated: 2025-01-16. Review status: criteria provided, single submitter. Criteria: GeneDx Variant Classification Process June 2021. Collection method: clinical testing. Allele origin: germline. Affected: yes.
Comment: In silico analysis indicates that this missense variant does not alter protein structure/function; Has not been previously published as pathogenic or benign in association with ALPL-related disorders to our knowledge; This variant is associated with the following publications: (PMID: 34662886, 37107680)

Fulgent Genetics
Classification: Uncertain significance for Adult hypophosphatasia; Infantile hypophosphatasia; Childhood hypophosphatasia. Last evaluated: 2021-12-30. Review status: criteria provided, single submitter. Criteria: ACMG Guidelines, 2015. Collection method: clinical testing. Allele origin: unknown.

JKU Lab, Dept of Paediatrics, Johannes Kepler University
Classification: Uncertain significance for Hypophosphatasia. Review status: criteria provided, single submitter. Criteria: ACMG Guidelines, 2015. Collection method: curation. Allele origin: germline.
Comment: This missense variant is present in GnomAD 4.1 (f = 0.00009349 in the African/African-American population) and affects a highly conserved amino acid in the calcium site domain. The variant is predicted to affect protein function (REVEL score: 0.70). Splice-prediction algorithms predict no effect on splicing. This variant has not been reported in the literature.

Natera, Inc.
Classification: Uncertain significance for Hypophosphatasia. Last evaluated: 2019-10-28. Review status: no assertion criteria provided. Collection method: clinical testing. Allele origin: germline. Not counted in ClinVar's aggregate classification.

Literature cited by the submitters: PubMed 39983296 (cited by Labcorp Genetics (formerly Invitae), Labcorp); PubMed 32160374 (cited by Labcorp Genetics (formerly Invitae), Labcorp and Genomenon, Inc).

NM_000478.6(ALPL):c.782C>T (p.Pro261Leu)

Gene: ALPL (alkaline phosphatase, biomineralization associated; plus strand). Cytogenetic location: 1p36.12.
Variant type: single nucleotide variant.
Coding change: c.782C>T on transcript NM_000478.6 (MANE Select); coding-DNA position 782, C replaced by T.
Protein change: p.Pro261Leu; replaces proline 261 with leucine.
Molecular consequence: missense variant.
Genome position (GRCh38, 1-based): chr1:21,568,237, C>T. VCF-style: chr1-21568237-C-T. GRCh37 (hg19) VCF-style: chr1-21894730-C-T.
Other names: c.617C>T, p.Pro206Leu (NM_001127501.4); c.551C>T, p.Pro184Leu (NM_001177520.3); c.782C>T, p.Pro261Leu (NM_001369803.2, NM_001369804.2, NM_001369805.2); short protein forms P261L, P206L, P184L.
Identifiers: ClinVar variation 388169 (VCV000388169.13), dbSNP rs765149569, ClinGen allele CA666603.
Genomic context (GRCh38, chr1:21,568,237, plus strand): 5'-AAGCCAGGGGCACGAGGCTGGACGGCCTGGACCTCGTTGACACCTGGAAGAGCTTCAAAC[C>T]GAGATACAAGGTAGCCTGTGCTGGGGCCATGTGGCTGCAGAGGTGGCCTGTGATGGGGAG-3'
Protein context (NP_000469.3, residues 251-271): DLVDTWKSFK[Pro261Leu]RYKHSHFIWN